The following is an entry in ClinVar:

ClinVar aggregate classification (germline): Uncertain significance. Review status: criteria provided, multiple submitters, no conflicts (2 of 4 stars). 3 submissions from 3 submitters: Uncertain significance (3). Last evaluated 2025-08-06.

Conditions:
Hemolytic anemia due to glutathione reductase deficiency (CNSHA10). Also called: ANEMIA, CONGENITAL, NONSPHEROCYTIC HEMOLYTIC, 10. Identifiers: Orphanet 90030, MedGen C5231513, MONDO:0019531, OMIM 618660.

Allele frequency attached by ClinVar (database versions not stated): ESP Exome Variant Server 0.00023.
gnomAD v4.1: 643 of 1,611,798 alleles (0.04%); highest among the groups gnomAD compares: Non-Finnish European, 0.051%; no homozygotes.

Submissions (3):

Mayo Clinic Laboratories, Mayo Clinic
Classification: Uncertain significance. Last evaluated: 2025-08-06. Review status: criteria provided, single submitter. Criteria: ACMG Guidelines, 2015. Collection method: clinical testing. Allele origin: germline. Observed: 6 variant alleles.
Comment: PP3_moderate, PM1

Revvity Omics, Revvity
Classification: Uncertain significance for Hemolytic anemia due to glutathione reductase deficiency. Last evaluated: 2024-11-12. Review status: criteria provided, single submitter. Criteria: ACMG Guidelines, 2015. Collection method: clinical testing. Allele origin: germline.

Ambry Genetics
Classification: Uncertain significance. Last evaluated: 2021-08-02. Review status: criteria provided, single submitter. Criteria: Ambry Variant Classification Scheme 2023. Collection method: clinical testing. Allele origin: germline.

NM_000637.5(GSR):c.439C>G (p.Arg147Gly)

Gene: GSR (glutathione-disulfide reductase; minus strand). Cytogenetic location: 8p12.
Variant type: single nucleotide variant.
Coding change: c.439C>G on transcript NM_000637.5 (MANE Select); coding-DNA position 439, C replaced by G.
Protein change: p.Arg147Gly; replaces arginine 147 with glycine.
Molecular consequence: missense variant.
Genome position (GRCh38, 1-based): chr8:30,708,125, G>C on the plus strand (C>G on the coding strand, the complement: GSR is on the minus strand). VCF-style: chr8-30708125-G-C. GRCh37 (hg19) VCF-style: chr8-30565642-G-C.
Other names: c.439C>G, p.Arg147Gly (NM_001195102.3, NM_001195103.3, NM_001195104.3); short protein forms R147G.
Identifiers: ClinVar variation 1163477 (VCV001163477.10), dbSNP rs150594097, ClinGen allele CA4701516.